The following is an entry in ClinVar:

ClinVar aggregate classification (germline): Pathogenic (1 of 4 stars; one submission).

Conditions:
Neurofibromatosis, type 1 (NF1). Also called: Peripheral type neurofibromatosis; NEUROFIBROMATOSIS, TYPE I, SOMATIC; Neurofibromatosis, type I; VON RECKLINGHAUSEN DISEASE. Identifiers: Orphanet 636, MedGen C0027831, MONDO:0018975, OMIM 162200. Disease mechanism: loss of function.

Submission:

Gemeinschaftspraxis fuer Humangenetik Dresden
Classification: Pathogenic for Neurofibromatosis, type 1. Last evaluated: 2023-08-02. Review status: criteria provided, single submitter. Criteria: ACMG Guidelines, 2015. Collection method: clinical testing. Allele origin: germline. Inheritance: Autosomal dominant inheritance. Affected: yes.
Comment: This variant is not reported in HGMD 2023.2, gnomAD, dbSNP or LOVD (we submitted there) so far. Due to the protein truncating character the variant is classified as pathogenic.

NM_001042492.3(NF1):c.547_548dup (p.Asn184fs)

Gene: NF1 (neurofibromin 1; plus strand). Cytogenetic location: 17q11.2.
Variant type: Microsatellite.
Coding change: c.547_548dup on transcript NM_001042492.3 (MANE Select); coding-DNA positions 547 to 548, 2 bases duplicated (AT; older notation c.547_548dupAT).
Protein change: p.Asn184fs; shifts the reading frame from asparagine 184.
Molecular consequence: frameshift variant.
Genome position (GRCh38, 1-based): chr17:31,169,958-31,169,959, AT duplicated; duplicating any 2 consecutive bases within chr17:31,169,955-31,169,959 gives the same sequence; the c. name uses the placement nearest the transcript's 3' end. VCF-style (leftmost placement, unchanged base first): chr17-31169954-G-GTA. GRCh37 (hg19) VCF-style: chr17-29496972-G-GTA.
Other names: c.545_546AT[3], p.Asn184Serfs (NM_000267.4); c.547_548dup, p.Asn184fs (NM_001128147.3); short protein forms N184fs.
Identifiers: ClinVar variation 2691251 (VCV002691251.2), dbSNP rs2544719215, ClinGen allele CA2697559763.